The following is an entry in ClinVar:

NC_000016.10:g.83914954AG[2]

Gene: MLYCD (malonyl-CoA decarboxylase; plus strand). Cytogenetic location: 16q23.3.
Variant type: Microsatellite.
Genome position: GRCh38 VCF-style: chr16-83914953-CAGAG-C. GRCh37 (hg19) VCF-style: chr16-83948558-CAGAG-C.
Identifiers: ClinVar variation 2846533 (VCV002846533.3), dbSNP rs777414552, ClinGen allele CA979875491.

ClinVar aggregate classification (germline): Pathogenic (1 of 4 stars; one submission).

Conditions:
Deficiency of malonyl-CoA decarboxylase. Also called: Malonic aciduria; MCD deficiency. Identifiers: Orphanet 943, MedGen C0342793, MONDO:0009556, OMIM 248360.

Submission:

Labcorp Genetics (formerly Invitae), Labcorp
Classification: Pathogenic for Deficiency of malonyl-CoA decarboxylase. Last evaluated: 2023-03-17. Review status: criteria provided, single submitter. Criteria: Invitae Variant Classification Sherloc (09022015). Collection method: clinical testing. Allele origin: germline.
Comment: Algorithms developed to predict the effect of sequence changes on RNA splicing suggest that this variant may disrupt the consensus splice site. This variant disrupts a region of the MLYCD protein in which other variant(s) (p.Trp384_Gln386del) have been determined to be pathogenic (PMID: 12955715). This suggests that this is a clinically significant region of the protein, and that variants that disrupt it are likely to be disease-causing. For these reasons, this variant has been classified as Pathogenic. This variant has not been reported in the literature in individuals affected with MLYCD-related conditions. This sequence change creates a premature translational stop signal (p.Arg317Serfs*25) in the MLYCD gene. While this is not anticipated to result in nonsense mediated decay, it is expected to disrupt the last 177 amino acid(s) of the MLYCD protein. This variant is not present in population databases (gnomAD no frequency).

Literature cited by the submitters: PubMed 12955715.